The following is an entry in ClinVar:

ClinVar aggregate classification (germline): Uncertain significance. Review status: criteria provided, multiple submitters, no conflicts (2 of 4 stars). 2 submissions from 2 submitters: Uncertain significance (2). Last evaluated 2025-01-06.

Allele frequency attached by ClinVar (database versions not stated): gnomAD 0.00001; gnomAD exomes 0.00001 and 0.00002; TOPMed 0.00002.

Submissions (2):

Labcorp Genetics (formerly Invitae), Labcorp
Classification: Uncertain significance. Last evaluated: 2025-01-06. Review status: criteria provided, single submitter. Criteria: Invitae Variant Classification Sherloc (09022015). Collection method: clinical testing. Allele origin: germline.
Comment: This sequence change replaces proline, which is neutral and non-polar, with leucine, which is neutral and non-polar, at codon 142 of the REEP6 protein (p.Pro142Leu). This variant is present in population databases (rs761373252, gnomAD 0.006%). This variant has not been reported in the literature in individuals affected with REEP6-related conditions. ClinVar contains an entry for this variant (Variation ID: 1042749). Experimental studies and prediction algorithms are not available or were not evaluated, and the functional significance of this variant is currently unknown. In summary, the available evidence is currently insufficient to determine the role of this variant in disease. Therefore, it has been classified as a Variant of Uncertain Significance.

Blueprint Genetics
Classification: Uncertain significance. Last evaluated: 2022-09-08. Review status: criteria provided, single submitter. Criteria: ACMG Guidelines, 2015. Collection method: clinical testing. Allele origin: germline.

NM_138393.4(REEP6):c.425C>T (p.Pro142Leu)

Gene: REEP6 (receptor accessory protein 6; plus strand). Cytogenetic location: 19p13.3.
Variant type: single nucleotide variant.
Coding change: c.425C>T on transcript NM_138393.4 (MANE Select); coding-DNA position 425, C replaced by T.
Protein change: p.Pro142Leu; replaces proline 142 with leucine.
Molecular consequence: missense variant.
Genome position (GRCh38, 1-based): chr19:1,496,361, C>T. VCF-style: chr19-1496361-C-T. GRCh37 (hg19) VCF-style: chr19-1496360-C-T.
Other names: c.425C>T, p.Pro142Leu (NM_001329556.3); short protein forms P142L.
Identifiers: ClinVar variation 1042749 (VCV001042749.11), dbSNP rs761373252, ClinGen allele CA304100529.